The following is an entry in ClinVar:

NM_003356.4(UCP3):c.874G>A (p.Val292Ile)

Gene: UCP3 (uncoupling protein 3; minus strand). Cytogenetic location: 11q13.4.
Variant type: single nucleotide variant.
Coding change: c.874G>A on transcript NM_003356.4 (MANE Select); coding-DNA position 874, G replaced by A.
Protein change: p.Val292Ile; replaces valine 292 with isoleucine.
Molecular consequence: missense variant.
Genome position (GRCh38, 1-based): chr11:74,001,477, C>T on the plus strand (G>A on the coding strand, the complement: UCP3 is on the minus strand). VCF-style: chr11-74001477-C-T. GRCh37 (hg19) VCF-style: chr11-73712522-C-T.
Other names: short protein forms V292I.
Identifiers: ClinVar variation 2634472 (VCV002634472.5), dbSNP rs752412908, ClinGen allele CA6181319.

ClinVar aggregate classification (germline): Uncertain significance. Review status: criteria provided, multiple submitters, no conflicts (2 of 4 stars). 2 submissions from 2 submitters: Uncertain significance (2). Last evaluated 2026-04-01.

Conditions:
UCP3-related disorder. Also called: UCP3-related condition.

Allele frequency attached by ClinVar (database versions not stated): ExAC 0.00002; gnomAD 0.00003.
gnomAD v4.1: 38 of 1,613,984 alleles (0.0024%); highest among the groups gnomAD compares: Middle Eastern, 0.049%; 1 homozygote.

Submissions (2):

PreventionGenetics, part of Exact Sciences
Classification: Uncertain significance for UCP3-related condition. Last evaluated: 2026-04-01. Review status: criteria provided, single submitter. Criteria: ACMG Guidelines, 2015. Collection method: clinical testing. Allele origin: germline.
Comment: The UCP3 c.874G>A variant is predicted to result in the amino acid substitution p.Val292Ile. To our knowledge, this variant has not been reported in the literature. This variant is reported in 0.0080% of alleles in individuals of African descent in gnomAD. At this time, the clinical significance of this variant is uncertain due to the absence of conclusive functional and genetic evidence.

Ambry Genetics
Classification: Uncertain significance. Last evaluated: 2025-11-12. Review status: criteria provided, single submitter. Criteria: Ambry Variant Classification Scheme 2023. Collection method: clinical testing. Allele origin: germline.